The following is an entry in ClinVar:

ClinVar aggregate classification (germline): Uncertain significance (1 of 4 stars; one submission).

Conditions:
Bardet-Biedl syndrome (BBS). Identifiers: Orphanet 110, MedGen C0752166, MONDO:0015229.

Submission:

Labcorp Genetics (formerly Invitae), Labcorp
Classification: Uncertain significance for Bardet-Biedl syndrome. Last evaluated: 2025-02-15. Review status: criteria provided, single submitter. Criteria: Invitae Variant Classification Sherloc (09022015). Collection method: clinical testing. Allele origin: germline.
Comment: This sequence change replaces alanine, which is neutral and non-polar, with valine, which is neutral and non-polar, at codon 316 of the TRIM32 protein (p.Ala316Val). This variant is not present in population databases (gnomAD no frequency). This variant has not been reported in the literature in individuals affected with TRIM32-related conditions. An algorithm developed to predict the effect of missense changes on protein structure and function (PolyPhen-2) suggests that this variant is likely to be tolerated. In summary, the available evidence is currently insufficient to determine the role of this variant in disease. Therefore, it has been classified as a Variant of Uncertain Significance.

NM_012210.4(TRIM32):c.947C>T (p.Ala316Val)

Genes: ASTN2 (astrotactin 2; minus strand), TRIM32 (tripartite motif containing 32; plus strand). Cytogenetic location: 9q33.1.
Variant type: single nucleotide variant.
Coding change: c.947C>T on transcript NM_012210.4 (MANE Select); coding-DNA position 947, C replaced by T.
Protein change: p.Ala316Val; replaces alanine 316 with valine.
Molecular consequence: missense variant. On other transcripts: intron variant (3).
Genome position (GRCh38, 1-based): chr9:116,698,689, C>T. VCF-style: chr9-116698689-C-T. GRCh37 (hg19) VCF-style: chr9-119460968-C-T.
Other names: c.947C>T, p.Ala316Val (NM_001099679.2, NM_001379048.1, NM_001379049.1 and 1 more transcripts); c.2653+27082G>A (NM_014010.5); c.2794+27082G>A (NM_001365069.1); c.2806+27082G>A (NM_001365068.1); short protein forms A316V.
Identifiers: ClinVar variation 4803415 (VCV004803415.1).